The following is an entry in ClinVar:

ClinVar aggregate classification (germline): Uncertain significance (1 of 4 stars; one submission).

Submission:

Ambry Genetics
Classification: Uncertain significance. Last evaluated: 2023-09-15. Review status: criteria provided, single submitter. Criteria: Ambry Variant Classification Scheme 2023. Collection method: clinical testing. Allele origin: germline.
Comment: The p.P617T variant (also known as c.1849C>A), located in coding exon 17 of the PRKDC gene, results from a C to A substitution at nucleotide position 1849. The proline at codon 617 is replaced by threonine, an amino acid with highly similar properties. This amino acid position is conserved. In addition, this alteration is predicted to be tolerated by in silico analysis. Since supporting evidence is limited at this time, the clinical significance of this alteration remains unclear.

NM_006904.7(PRKDC):c.1849C>A (p.Pro617Thr)

Gene: PRKDC (protein kinase, DNA-activated, catalytic subunit; minus strand). Cytogenetic location: 8q11.21.
Variant type: single nucleotide variant.
Coding change: c.1849C>A on transcript NM_006904.7 (MANE Select); coding-DNA position 1849, C replaced by A.
Protein change: p.Pro617Thr; replaces proline 617 with threonine.
Molecular consequence: missense variant.
Genome position (GRCh38, 1-based): chr8:47,930,715, G>T on the plus strand (C>A on the coding strand, the complement: PRKDC is on the minus strand). VCF-style: chr8-47930715-G-T. GRCh37 (hg19) VCF-style: chr8-48843275-G-T.
Other names: c.1849C>A, p.Pro617Thr (NM_001081640.2); short protein forms P617T.
Identifiers: ClinVar variation 3225762 (VCV003225762.1), dbSNP rs2551878768, ClinGen allele CA371164715.